The following is an entry in ClinVar:

ClinVar aggregate classification (germline): Pathogenic (1 of 4 stars; one submission).

Conditions:
Nance-Horan syndrome (NHS). Identifiers: Orphanet 627, MedGen C0796085, MONDO:0010545, OMIM 302350.

Submission:

Labcorp Genetics (formerly Invitae), Labcorp
Classification: Pathogenic for Nance-Horan syndrome. Last evaluated: 2025-12-26. Review status: criteria provided, single submitter. Criteria: Invitae Variant Classification Sherloc (09022015). Collection method: clinical testing. Allele origin: germline.
Comment: This sequence change creates a premature translational stop signal (p.Ser556Argfs*92) in the NHS gene. It is expected to result in an absent or disrupted protein product. Loss-of-function variants in NHS are known to be pathogenic (PMID: 14564667, 19414485). This variant is not present in population databases (gnomAD no frequency). This variant has not been reported in the literature in individuals affected with NHS-related conditions. For these reasons, this variant has been classified as Pathogenic.

Literature cited by the submitters: PubMed 14564667; PubMed 19414485.

NM_001291867.2(NHS):c.1728_1731del (p.Ser577fs)

Gene: NHS (NHS actin remodeling regulator; plus strand). Cytogenetic location: Xp22.13.
Variant type: Deletion.
Coding change: c.1728_1731del on transcript NM_001291867.2 (MANE Select); coding-DNA positions 1728 to 1731, 4 bases deleted (AAGT; older notation c.1728_1731delAAGT).
Protein change: p.Ser577fs; shifts the reading frame from serine 577.
Molecular consequence: frameshift variant.
Genome position (GRCh38, 1-based): chrX:17,725,834-17,725,837, AAGT deleted; deleting any 4 consecutive bases within chrX:17,725,833-17,725,837 gives the same sequence; the c. name uses the placement nearest the transcript's 3' end. VCF-style (leftmost placement, unchanged base first): chrX-17725832-TTAAG-T. GRCh37 (hg19) VCF-style: chrX-17743952-TTAAG-T.
Other names: c.1134_1137del, p.Ser379fs (NM_001291868.2); c.1389_1392del, p.Ser464fs (NM_001440780.1); c.1665_1668del, p.Ser556fs (NM_198270.4); c.1197_1200del, p.Ser400fs (NM_001136024.4); short protein forms S400fs, S464fs, S379fs, S556fs, S577fs.
Identifiers: ClinVar variation 4734193 (VCV004734193.1).